The following is an entry in ClinVar:

NM_005676.5(RBM10):c.1622G>A (p.Ser541Asn)

Gene: RBM10 (RNA binding motif protein 10; plus strand). Cytogenetic location: Xp11.3.
Variant type: single nucleotide variant.
Coding change: c.1622G>A on transcript NM_005676.5 (MANE Select); coding-DNA position 1622, G replaced by A.
Protein change: p.Ser541Asn; replaces serine 541 with asparagine.
Molecular consequence: missense variant.
Genome position (GRCh38, 1-based): chrX:47,181,795, G>A. VCF-style: chrX-47181795-G-A. GRCh37 (hg19) VCF-style: chrX-47041194-G-A.
Other names: c.1391G>A, p.Ser464Asn (NM_001204466.2); c.1619G>A, p.Ser540Asn (NM_001204467.2); c.1817G>A, p.Ser606Asn (NM_001204468.2); c.1388G>A, p.Ser463Asn (NM_152856.3); short protein forms S463N, S540N, S606N, S541N, S464N.
Identifiers: ClinVar variation 3700368 (VCV003700368.2).
Genomic context (GRCh38, chrX:47,181,795, plus strand): 5'-GGCCCCATGACCAGTCGTATACCATCATGTCACCCGCTGTGCTCAAATCTGAGCTCCAGA[G>A]CCCTACCCATCCTAGTTCTGCTCTCCCACCGGCTACCAGCCCCACTGCCCAGGAATCCTA-3'
Protein context (NP_005667.2, residues 531-551): SPAVLKSELQ[Ser541Asn]PTHPSSALPP

ClinVar aggregate classification (germline): Uncertain significance (1 of 4 stars; one submission).

Submission:

Labcorp Genetics (formerly Invitae), Labcorp
Classification: Uncertain significance. Last evaluated: 2024-12-07. Review status: criteria provided, single submitter. Criteria: Invitae Variant Classification Sherloc (09022015). Collection method: clinical testing. Allele origin: germline.
Comment: This sequence change replaces serine, which is neutral and polar, with asparagine, which is neutral and polar, at codon 541 of the RBM10 protein (p.Ser541Asn). This variant is not present in population databases (gnomAD no frequency). This variant has not been reported in the literature in individuals affected with RBM10-related conditions. Invitae Evidence Modeling of protein sequence and biophysical properties (such as structural, functional, and spatial information, amino acid conservation, physicochemical variation, residue mobility, and thermodynamic stability) indicates that this missense variant is not expected to disrupt RBM10 protein function with a negative predictive value of 80%. In summary, the available evidence is currently insufficient to determine the role of this variant in disease. Therefore, it has been classified as a Variant of Uncertain Significance.